The following is an entry in ClinVar:

ClinVar aggregate classification (germline): Uncertain significance (1 of 4 stars; one submission).

Submission:

Labcorp Genetics (formerly Invitae), Labcorp
Classification: Uncertain significance. Last evaluated: 2024-10-12. Review status: criteria provided, single submitter. Criteria: Invitae Variant Classification Sherloc (09022015). Collection method: clinical testing. Allele origin: germline.
Comment: This sequence change falls in intron 59 of the COL11A1 gene. It does not directly change the encoded amino acid sequence of the COL11A1 protein. This variant is not present in population databases (gnomAD no frequency). This variant has not been reported in the literature in individuals affected with COL11A1-related conditions. Algorithms developed to predict the effect of sequence changes on RNA splicing suggest that this variant may disrupt the consensus splice site. In summary, the available evidence is currently insufficient to determine the role of this variant in disease. Therefore, it has been classified as a Variant of Uncertain Significance.

NM_001854.4(COL11A1):c.4465-6C>G

Gene: COL11A1 (collagen type XI alpha 1 chain; minus strand). Cytogenetic location: 1p21.1.
Variant type: single nucleotide variant.
Coding change: c.4465-6C>G on transcript NM_001854.4 (MANE Select); 6 bases into the intron before coding-DNA position 4465, C replaced by G.
Molecular consequence: intron variant.
Genome position (GRCh38, 1-based): chr1:102,888,925, G>C on the plus strand (C>G on the coding strand, the complement: COL11A1 is on the minus strand). VCF-style: chr1-102888925-G-C. GRCh37 (hg19) VCF-style: chr1-103354481-G-C.
Other names: c.4348-6C>G (NM_001190709.2); c.4501-6C>G (NM_080629.3); c.4117-6C>G (NM_080630.4).
Identifiers: ClinVar variation 3722106 (VCV003722106.2).
Genomic context (GRCh38, chr1:102,888,925, plus strand): 5'-CTGGTAAACCTGGAGGACCAGGTGGACCTAAGGGACCAGCAGGACCAGGAATTCCCTAGA[G>C]AGAGAATCAGCCAATTTAAAGGGATTTTCTCAGCTATTTCATTTTCATGTTTTCATAACT-3'